The following is an entry in ClinVar:

NM_004656.4(BAP1):c.437+4T>C

Gene: BAP1 (BRCA1 associated deubiquitinase 1; minus strand). Cytogenetic location: 3p21.1.
Variant type: single nucleotide variant.
Coding change: c.437+4T>C on transcript NM_004656.4 (MANE Select); 4 bases into the intron after coding-DNA position 437, T replaced by C.
Molecular consequence: intron variant.
Genome position (GRCh38, 1-based): chr3:52,407,395, A>G on the plus strand (T>C on the coding strand, the complement: BAP1 is on the minus strand). VCF-style: chr3-52407395-A-G. GRCh37 (hg19) VCF-style: chr3-52441411-A-G.
Identifiers: ClinVar variation 472702 (VCV000472702.4), dbSNP rs1553645837, ClinGen allele CA658657315.

ClinVar aggregate classification (germline): Uncertain significance (1 of 4 stars; one submission).

Conditions:
BAP1-related tumor predisposition syndrome (TPDS1). Also called: COMMON Syndrome; TUMOR PREDISPOSITION SYNDROME 1; BAP1 tumor predisposition syndrome; Tumor susceptibility linked to germline BAP1 mutations. Identifiers: Orphanet 289539, MedGen C3280492, MONDO:0013692, OMIM 614327.

Submission:

Labcorp Genetics (formerly Invitae), Labcorp
Classification: Uncertain significance for BAP1-related tumor predisposition syndrome. Last evaluated: 2021-09-01. Review status: criteria provided, single submitter. Criteria: Invitae Variant Classification Sherloc (09022015). Collection method: clinical testing. Allele origin: germline.
Comment: This sequence change falls in intron 6 of the BAP1 gene. It does not directly change the encoded amino acid sequence of the BAP1 protein. It affects a nucleotide within the consensus splice site of the intron. This variant is not present in population databases (ExAC no frequency). This variant has not been reported in the literature in individuals affected with BAP1-related conditions. ClinVar contains an entry for this variant (Variation ID: 472702). Variants that disrupt the consensus splice site are a relatively common cause of aberrant splicing (PMID: 17576681, 9536098). Algorithms developed to predict the effect of sequence changes on RNA splicing suggest that this variant is not likely to affect RNA splicing. In summary, the available evidence is currently insufficient to determine the role of this variant in disease. Therefore, it has been classified as a Variant of Uncertain Significance.

Literature cited by the submitters: PubMed 17576681; PubMed 9536098.